The following is an entry in ClinVar:

NM_153240.5(NPHP3):c.284G>A (p.Arg95Lys)

Genes: NPHP3 (nephrocystin 3; minus strand), NPHP3-ACAD11 (NPHP3-ACAD11 readthrough (NMD candidate); minus strand), NPHP3-AS1 (NPHP3 antisense RNA 1; plus strand), LOC129937586 (ATAC-STARR-seq lymphoblastoid silent region 14743; plus strand). Cytogenetic location: 3q22.1.
Variant type: single nucleotide variant.
Coding change: c.284G>A on transcript NM_153240.5 (MANE Select); coding-DNA position 284, G replaced by A.
Protein change: p.Arg95Lys; replaces arginine 95 with lysine.
Molecular consequence: missense variant. On other transcripts: non-coding transcript variant (3).
Genome position (GRCh38, 1-based): chr3:132,722,072, C>T on the plus strand (G>A on the coding strand, the complement: NPHP3 is on the minus strand). VCF-style: chr3-132722072-C-T. GRCh37 (hg19) VCF-style: chr3-132440916-C-T.
Other names: short protein forms R95K.
Identifiers: ClinVar variation 598645 (VCV000598645.14), dbSNP rs1007066273, ClinGen allele CA83610823.

ClinVar aggregate classification (germline): Uncertain significance. Review status: criteria provided, multiple submitters, no conflicts (2 of 4 stars). 3 submissions from 3 submitters: Uncertain significance (3). Last evaluated 2025-02-28.

Conditions:
NPHP3-related disorder. Also called: NPHP3-related disorders; NPHP3-related condition. Identifiers: MedGen CN379163.
Nephronophthisis. Also called: Juvenile Nephronophthisis. Identifiers: Orphanet 655, MedGen C0687120, MONDO:0019005, HP:0000090.

Allele frequency attached by ClinVar (database versions not stated): gnomAD exomes 0.00001; TOPMed 0.00001; gnomAD 0.00002.
gnomAD v4.1: 6 of 1,612,042 alleles (0.00037%); highest among the groups gnomAD compares: African/African-American, 0.004%; no homozygotes.

Submissions (3):

PreventionGenetics, part of Exact Sciences
Classification: Uncertain significance for NPHP3-related condition. Last evaluated: 2025-02-28. Review status: criteria provided, single submitter. Criteria: ACMG Guidelines, 2015. Collection method: clinical testing. Allele origin: germline.
Comment: The NPHP3 c.284G>A variant is predicted to result in the amino acid substitution p.Arg95Lys. To our knowledge, this variant has not been reported in the literature. This variant is reported in 0.0041% of alleles in individuals of African descent in gnomAD. At this time, the clinical significance of this variant is uncertain due to the absence of conclusive functional and genetic evidence.

Labcorp Genetics (formerly Invitae), Labcorp
Classification: Uncertain significance for Nephronophthisis. Last evaluated: 2024-06-03. Review status: criteria provided, single submitter. Criteria: Invitae Variant Classification Sherloc (09022015). Collection method: clinical testing. Allele origin: germline.
Comment: This sequence change replaces arginine, which is basic and polar, with lysine, which is basic and polar, at codon 95 of the NPHP3 protein (p.Arg95Lys). This variant is present in population databases (no rsID available, gnomAD 0.004%). This variant has not been reported in the literature in individuals affected with NPHP3-related conditions. ClinVar contains an entry for this variant (Variation ID: 598645). Advanced modeling of protein sequence and biophysical properties (such as structural, functional, and spatial information, amino acid conservation, physicochemical variation, residue mobility, and thermodynamic stability) performed at Invitae indicates that this missense variant is not expected to disrupt NPHP3 protein function with a negative predictive value of 80%. In summary, the available evidence is currently insufficient to determine the role of this variant in disease. Therefore, it has been classified as a Variant of Uncertain Significance.

Eurofins Ntd Llc (ga)
Classification: Uncertain significance. Last evaluated: 2018-09-06. Review status: criteria provided, single submitter. Criteria: EGL ClinVar v180209 classification definitions. Collection method: clinical testing. Allele origin: germline. Observed: 1 variant allele, 1 heterozygote.